The following is an entry in ClinVar:

ClinVar aggregate classification (germline): Uncertain significance. Review status: criteria provided, multiple submitters, no conflicts (2 of 4 stars). 6 submissions from 6 submitters: Uncertain significance (5). 1 of the submissions does not count toward it. Last evaluated 2025-08-04.

Conditions:
Polycystic kidney disease 4 (PKD4). Also called: POLYCYSTIC KIDNEY AND HEPATIC DISEASE 1; POLYCYSTIC KIDNEY DISEASE, INFANTILE, TYPE I; POLYCYSTIC KIDNEY DISEASE 4 WITH OR WITHOUT POLYCYSTIC LIVER DISEASE; Autosomal Recessive Polycystic Kidney Disease – PKHD1; PKD3. Identifiers: MedGen C4540575, MONDO:0033004, OMIM 263200.
PKHD1-related disorder. Also called: PKHD1-related condition.
Inborn genetic diseases. Identifiers: MedGen C0950123, MeSH D030342.
Autosomal recessive polycystic kidney disease (ARPKD). Also called: AR polycystic kidney disease. Identifiers: Orphanet 731, Orphanet 8378, MedGen C0085548, MeSH D017044, MONDO:0009889.

Allele frequency attached by ClinVar (database versions not stated): ExAC 0.00001; TOPMed 0.00001; gnomAD exomes 0.00002; gnomAD 0.00003 and 0.00005; 1000 Genomes Project 30x 0.00016; 1000 Genomes Project 0.00020.
gnomAD v4.1: 45 of 1,613,140 alleles (0.0028%); highest among the groups gnomAD compares: Admixed American, 0.0083%; no homozygotes.

Submissions (6):

PreventionGenetics, part of Exact Sciences
Classification: Uncertain significance for PKHD1-related condition. Last evaluated: 2025-08-04. Review status: criteria provided, single submitter. Criteria: ACMG Guidelines, 2015. Collection method: clinical testing. Allele origin: germline.
Comment: The PKHD1 c.7726A>G variant is predicted to result in the amino acid substitution p.Ile2576Val. This variant has been reported along with a second PHKD1 variant in an individual with chronic kidney disease (Table S1, Mallawaarachchi et al. 2024. PubMed ID: 38861662). It has also been reported in the de novo state in an individual with developmental disorder including autism (Table S1, Kaplanis et al. 2020. PubMed ID: 33057194); however, there is currently no known association between these phenotypes and heterozygous PHKD1 variants. This variant is reported in 8 alleles out of 281782 alleles in gnomAD. At this time, the clinical significance of this variant is uncertain due to the absence of conclusive functional and genetic evidence.

Fulgent Genetics
Classification: Uncertain significance for Polycystic kidney disease 4. Last evaluated: 2024-04-02. Review status: criteria provided, single submitter. Criteria: ACMG Guidelines, 2015. Collection method: clinical testing. Allele origin: germline.

Blueprint Genetics
Classification: Uncertain significance. Last evaluated: 2024-02-29. Review status: criteria provided, single submitter. Criteria: ACMG Guidelines, 2015. Collection method: clinical testing. Allele origin: germline.

Ambry Genetics
Classification: Uncertain significance for Inborn genetic diseases. Last evaluated: 2023-02-23. Review status: criteria provided, single submitter. Criteria: Ambry Variant Classification Scheme 2023. Collection method: clinical testing. Allele origin: germline.

Labcorp Genetics (formerly Invitae), Labcorp
Classification: Uncertain significance for Autosomal recessive polycystic kidney disease. Last evaluated: 2022-04-25. Review status: criteria provided, single submitter. Criteria: Invitae Variant Classification Sherloc (09022015). Collection method: clinical testing. Allele origin: germline.
Comment: This sequence change replaces isoleucine, which is neutral and non-polar, with valine, which is neutral and non-polar, at codon 2576 of the PKHD1 protein (p.Ile2576Val). This variant is present in population databases (rs565528098, gnomAD 0.004%). This variant has not been reported in the literature in individuals affected with PKHD1-related conditions. ClinVar contains an entry for this variant (Variation ID: 406888). Advanced modeling of protein sequence and biophysical properties (such as structural, functional, and spatial information, amino acid conservation, physicochemical variation, residue mobility, and thermodynamic stability) performed at Invitae indicates that this missense variant is not expected to disrupt PKHD1 protein function. In summary, the available evidence is currently insufficient to determine the role of this variant in disease. Therefore, it has been classified as a Variant of Uncertain Significance.

Natera, Inc.
Classification: Uncertain significance for Autosomal recessive polycystic kidney disease. Last evaluated: 2018-09-12. Review status: no assertion criteria provided. Collection method: clinical testing. Allele origin: germline. Not counted in ClinVar's aggregate classification.

NM_138694.4(PKHD1):c.7726A>G (p.Ile2576Val)

Gene: PKHD1 (PKHD1 ciliary IPT domain containing fibrocystin/polyductin; minus strand). Cytogenetic location: 6p12.2.
Variant type: single nucleotide variant.
Coding change: c.7726A>G on transcript NM_138694.4 (MANE Select); coding-DNA position 7726, A replaced by G.
Protein change: p.Ile2576Val; replaces isoleucine 2576 with valine.
Molecular consequence: missense variant.
Genome position (GRCh38, 1-based): chr6:51,867,870, T>C on the plus strand (A>G on the coding strand, the complement: PKHD1 is on the minus strand). VCF-style: chr6-51867870-T-C. GRCh37 (hg19) VCF-style: chr6-51732668-T-C.
Other names: c.7726A>G, p.Ile2576Val (NM_170724.3); short protein forms I2576V.
Identifiers: ClinVar variation 406888 (VCV000406888.13), dbSNP rs565528098, ClinGen allele CA3851868.